The following is an entry in ClinVar:

ClinVar aggregate classification (germline): Uncertain significance (1 of 4 stars; one submission).

Conditions:
PROK2-related disorder. Also called: PROK2-related condition.

Submission:

PreventionGenetics, part of Exact Sciences
Classification: Uncertain significance for PROK2-related condition. Last evaluated: 2025-05-05. Review status: criteria provided, single submitter. Criteria: ACMG Guidelines, 2015. Collection method: clinical testing. Allele origin: germline.
Comment: The PROK2 c.153G>A variant is predicted to result in premature protein termination (p.Trp51*). To our knowledge, this variant has not been reported in the literature or in a large population database (gnomAD), indicating this variant is rare. Although we suspect that this variant may be pathogenic, at this time, the clinical significance of this variant is uncertain due to the absence of conclusive functional and genetic evidence.

NM_001126128.2(PROK2):c.153G>A (p.Trp51Ter)

Gene: PROK2 (prokineticin 2; minus strand). Cytogenetic location: 3p13.
Variant type: single nucleotide variant.
Coding change: c.153G>A on transcript NM_001126128.2 (MANE Select); coding-DNA position 153, G replaced by A.
Protein change: p.Trp51Ter; replaces tryptophan 51 with a stop codon.
Molecular consequence: nonsense.
Genome position (GRCh38, 1-based): chr3:71,781,536, C>T on the plus strand (G>A on the coding strand, the complement: PROK2 is on the minus strand). VCF-style: chr3-71781536-C-T. GRCh37 (hg19) VCF-style: chr3-71830687-C-T.
Other names: c.153G>A, p.Trp51Ter (NM_021935.4); short protein forms W51*.
Identifiers: ClinVar variation 4986049 (VCV004986049.1).